The following is an entry in ClinVar:

ClinVar aggregate classification (germline): Conflicting classifications of pathogenicity. Review status: criteria provided, conflicting classifications (1 of 4 stars). 8 submissions from 8 submitters: Uncertain significance (1); Benign (2); Likely benign (4). 1 of the submissions does not count toward it. Last evaluated 2026-07-01.

Conditions:
RIN2-related disorder. Also called: RIN2-related condition.
RIN2 syndrome. Also called: MACS SYNDROME; TALL FOREHEAD, SPARSE HAIR, SKIN HYPEREXTENSIBILITY, AND SCOLIOSIS. Identifiers: Orphanet 217335, MedGen C2751321, MONDO:0013115, OMIM 613075.
Inborn genetic diseases. Identifiers: MedGen C0950123, MeSH D030342.

Allele frequency attached by ClinVar (database versions not stated): 1000 Genomes Project 0.00399; 1000 Genomes Project 30x 0.00468; ExAC 0.00489; ESP Exome Variant Server 0.00507; TOPMed 0.00520.
gnomAD v4.1: 8,703 of 1,613,680 alleles (0.54%); highest among the groups gnomAD compares: Middle Eastern, 1.6%; 47 homozygotes.

Submissions (8):

CeGaT Center for Human Genetics Tuebingen
Classification: Likely benign. Last evaluated: 2026-07-01. Review status: criteria provided, single submitter. Criteria: CeGaT Center For Human Genetics Tuebingen Variant Classification Criteria Version 2. Collection method: clinical testing. Allele origin: germline. Affected: yes. Observed: 30 variant alleles.
Comment: RIN2: BS2

Labcorp Genetics (formerly Invitae), Labcorp
Classification: Benign. Last evaluated: 2026-02-02. Review status: criteria provided, single submitter. Criteria: Invitae Variant Classification Sherloc (09022015). Collection method: clinical testing. Allele origin: germline.

Ambry Genetics
Classification: Uncertain significance for Inborn genetic diseases. Last evaluated: 2025-11-20. Review status: criteria provided, single submitter. Criteria: Ambry Variant Classification Scheme 2023. Collection method: clinical testing. Allele origin: germline.
Comment: The c.1642G>A (p.V548M) alteration is located in exon 7 (coding exon 7) of the RIN2 gene. This alteration results from a G to A substitution at nucleotide position 1642, causing the valine (V) at amino acid position 548 to be replaced by a methionine (M). Based on data from gnomAD, the A allele has an overall frequency of 0.433% (1205/278026) total alleles studied. The highest observed frequency was 0.677% (70/10334) of Ashkenazi Jewish alleles. Based on insufficient or conflicting evidence, the clinical significance of this alteration remains unclear.

Genomic Medicine Center of Excellence, King Faisal Specialist Hospital and Research Centre
Classification: Likely benign. Last evaluated: 2025-08-18. Review status: criteria provided, single submitter. Criteria: ACMG Guidelines, 2015. Collection method: clinical testing. Allele origin: germline.

Mendelics
Classification: Likely benign for RIN2 syndrome. Last evaluated: 2019-05-28. Review status: criteria provided, single submitter. Criteria: Mendelics Assertion Criteria 2017. Collection method: clinical testing. Allele origin: unknown.

GeneDx
Classification: Benign. Last evaluated: 2016-10-19. Review status: criteria provided, single submitter. Criteria: GeneDx Variant Classification (06012015). Collection method: clinical testing. Allele origin: germline. Affected: yes.
Comment: This variant is considered likely benign or benign based on one or more of the following criteria: it is a conservative change, it occurs at a poorly conserved position in the protein, it is predicted to be benign by multiple in silico algorithms, and/or has population frequency not consistent with disease.

Breakthrough Genomics
Classification: Likely benign. Review status: criteria provided, single submitter. Criteria: ACMG Guidelines, 2015. Collection method: not provided. Allele origin: germline. Inheritance: Autosomal recessive inheritance. Affected: yes.

PreventionGenetics, part of Exact Sciences
Classification: Likely benign for RIN2-related condition. Last evaluated: 2020-04-14. Review status: no assertion criteria provided. Collection method: clinical testing. Allele origin: germline. Not counted in ClinVar's aggregate classification.
Comment: This variant is classified as likely benign based on ACMG/AMP sequence variant interpretation guidelines (Richards et al. 2015 PMID: 25741868, with internal and published modifications).

NM_018993.4(RIN2):c.1642G>A (p.Val548Met)

Gene: RIN2 (Ras and Rab interactor 2; plus strand). Cytogenetic location: 20p11.23.
Variant type: single nucleotide variant.
Coding change: c.1642G>A on transcript NM_018993.4 (MANE Select); coding-DNA position 1642, G replaced by A.
Protein change: p.Val548Met; replaces valine 548 with methionine.
Molecular consequence: missense variant.
Genome position (GRCh38, 1-based): chr20:19,975,667, G>A. VCF-style: chr20-19975667-G-A. GRCh37 (hg19) VCF-style: chr20-19956311-G-A.
Other names: c.1789G>A, p.Val597Met (NM_001242581.2); c.1024G>A, p.Val342Met (NM_001378238.1); short protein forms V548M, V597M, V342M.
Identifiers: ClinVar variation 374444 (VCV000374444.56), dbSNP rs181298473, ClinGen allele CA9780123.